The following is an entry in ClinVar:

NM_014141.6(CNTNAP2):c.3440A>G (p.Asn1147Ser)

Gene: CNTNAP2 (contactin associated protein 2; plus strand). Cytogenetic location: 7q36.1.
Variant type: single nucleotide variant.
Coding change: c.3440A>G on transcript NM_014141.6 (MANE Select); coding-DNA position 3440, A replaced by G.
Protein change: p.Asn1147Ser; replaces asparagine 1147 with serine.
Molecular consequence: missense variant.
Genome position (GRCh38, 1-based): chr7:148,267,091, A>G. VCF-style: chr7-148267091-A-G. GRCh37 (hg19) VCF-style: chr7-147964183-A-G.
Other names: short protein forms N1147S.
Identifiers: ClinVar variation 2725455 (VCV002725455.3), dbSNP rs1416350628, ClinGen allele CA369928957.

ClinVar aggregate classification (germline): Uncertain significance (1 of 4 stars; one submission).

Conditions:
Cortical dysplasia-focal epilepsy syndrome (PTHSL1). Also called: Pitt-Hopkins-like syndrome 1. Identifiers: Orphanet 163681, Orphanet 221150, MedGen C2750246, MONDO:0012400, OMIM 610042.

Allele frequency attached by ClinVar (database versions not stated): gnomAD exomes below 0.00001.
gnomAD v4.1: 1 of 1,614,158 alleles (0.000062%); highest among the groups gnomAD compares: Non-Finnish European, 0.000085%; no homozygotes.

Submission:

Labcorp Genetics (formerly Invitae), Labcorp
Classification: Uncertain significance for Cortical dysplasia-focal epilepsy syndrome. Last evaluated: 2023-08-09. Review status: criteria provided, single submitter. Criteria: Invitae Variant Classification Sherloc (09022015). Collection method: clinical testing. Allele origin: germline.
Comment: In summary, the available evidence is currently insufficient to determine the role of this variant in disease. Therefore, it has been classified as a Variant of Uncertain Significance. An algorithm developed to predict the effect of missense changes on protein structure and function (PolyPhen-2) suggests that this variant is likely to be tolerated. This variant has not been reported in the literature in individuals affected with CNTNAP2-related conditions. This variant is present in population databases (no rsID available, gnomAD 0.006%). This sequence change replaces asparagine, which is neutral and polar, with serine, which is neutral and polar, at codon 1147 of the CNTNAP2 protein (p.Asn1147Ser).